The following is an entry in ClinVar:

NM_001999.4(FBN2):c.5605A>G (p.Asn1869Asp)

Gene: FBN2 (fibrillin 2; minus strand). Cytogenetic location: 5q23.3.
Variant type: single nucleotide variant.
Coding change: c.5605A>G on transcript NM_001999.4 (MANE Select); coding-DNA position 5605, A replaced by G.
Protein change: p.Asn1869Asp; replaces asparagine 1869 with aspartic acid.
Molecular consequence: missense variant.
Genome position (GRCh38, 1-based): chr5:128,305,580, T>C on the plus strand (A>G on the coding strand, the complement: FBN2 is on the minus strand). VCF-style: chr5-128305580-T-C. GRCh37 (hg19) VCF-style: chr5-127641272-T-C.
Other names: short protein forms N1869D.
Identifiers: ClinVar variation 3713168 (VCV003713168.2).

ClinVar aggregate classification (germline): Uncertain significance (1 of 4 stars; one submission).

Conditions:
Congenital contractural arachnodactyly (CCA). Also called: Arthrogryposis, distal, type 9; BEALS SYNDROME; Beals-Hecht syndrome. Identifiers: Orphanet 115, MedGen C0220668, MONDO:0007363, OMIM 121050.

Submission:

Labcorp Genetics (formerly Invitae), Labcorp
Classification: Uncertain significance for Congenital contractural arachnodactyly. Last evaluated: 2024-11-23. Review status: criteria provided, single submitter. Criteria: Invitae Variant Classification Sherloc (09022015). Collection method: clinical testing. Allele origin: germline.
Comment: This sequence change replaces asparagine, which is neutral and polar, with aspartic acid, which is acidic and polar, at codon 1869 of the FBN2 protein (p.Asn1869Asp). This variant is not present in population databases (gnomAD no frequency). This variant has not been reported in the literature in individuals affected with FBN2-related conditions. Invitae Evidence Modeling of protein sequence and biophysical properties (such as structural, functional, and spatial information, amino acid conservation, physicochemical variation, residue mobility, and thermodynamic stability) indicates that this missense variant is expected to disrupt FBN2 protein function with a positive predictive value of 80%. In summary, the available evidence is currently insufficient to determine the role of this variant in disease. Therefore, it has been classified as a Variant of Uncertain Significance.